The following is an entry in ClinVar:

NM_024642.5(GALNT12):c.163_171dup (p.Thr55_Arg57dup)

Gene: GALNT12 (polypeptide N-acetylgalactosaminyltransferase 12; plus strand). Cytogenetic location: 9q22.33.
Variant type: Duplication.
Coding change: c.163_171dup on transcript NM_024642.5 (MANE Select); coding-DNA positions 163 to 171, 9 bases duplicated (ACCCCGCGC; older notation c.163_171dupACCCCGCGC).
Protein change: p.Thr55_Arg57dup.
Molecular consequence: inframe insertion.
Genome position (GRCh38, 1-based): chr9:98,807,861-98,807,869, ACCCCGCGC duplicated; duplicating any 9 consecutive bases within chr9:98,807,853-98,807,869 gives the same sequence; the c. name uses the placement nearest the transcript's 3' end. VCF-style (leftmost placement, unchanged base first): chr9-98807852-C-CCCCCGCGCA. GRCh37 (hg19) VCF-style: chr9-101570134-C-CCCCCGCGCA.
Other names: c.163_171dupACCCCGCGC (NM_024642.4); c.163_171dup (NM_024642.4).
Identifiers: ClinVar variation 819709 (VCV000819709.14), dbSNP rs1588436188, ClinGen allele CA915947113.

ClinVar aggregate classification (germline): Uncertain significance. Review status: criteria provided, multiple submitters, no conflicts (2 of 4 stars). 3 submissions from 3 submitters: Uncertain significance (3). Last evaluated 2024-10-31.

Submissions (3):

Labcorp Genetics (formerly Invitae), Labcorp
Classification: Uncertain significance. Last evaluated: 2024-10-31. Review status: criteria provided, single submitter. Criteria: Invitae Variant Classification Sherloc (09022015). Collection method: clinical testing. Allele origin: germline.
Comment: This variant, c.163_171dup, results in the insertion of 3 amino acid(s) of the GALNT12 protein (p.Thr55_Arg57dup), but otherwise preserves the integrity of the reading frame. The frequency data for this variant in the population databases is considered unreliable, as metrics indicate insufficient coverage at this position in the gnomAD database. This variant has not been reported in the literature in individuals affected with GALNT12-related conditions. ClinVar contains an entry for this variant (Variation ID: 819709). Experimental studies and prediction algorithms are not available or were not evaluated, and the functional significance of this variant is currently unknown. In summary, the available evidence is currently insufficient to determine the role of this variant in disease. Therefore, it has been classified as a Variant of Uncertain Significance.

Ambry Genetics
Classification: Uncertain significance. Last evaluated: 2024-07-15. Review status: criteria provided, single submitter. Criteria: Ambry Variant Classification Scheme 2023. Collection method: clinical testing. Allele origin: germline.
Comment: The c.163_171dupACCCCGCGC variant (also known as p.T55_R57dup), located in coding exon 1 of the GALNT12 gene, results from an in-frame duplication of ACCCCGCGC at nucleotide positions 163 to 171. This results in the duplication of 3 extra residues (TPR) after codon 57. This amino acid region is not well conserved in available vertebrate species. In addition, this alteration is predicted to be neutral by in silico analysis (Choi Y et al. PLoS ONE. 2012; 7(10):e46688). The evidence for this gene-disease relationship is limited; therefore, the clinical significance of this alteration is unclear.

Quest Diagnostics Nichols Institute San Juan Capistrano
Classification: Uncertain significance. Last evaluated: 2022-12-30. Review status: criteria provided, single submitter. Criteria: Quest Diagnostics criteria. Collection method: clinical testing. Allele origin: unknown.
Comment: The variant has not been reported in the published literature. It also has not been reported in large, multi-ethnic general populations. Based on the available information, we are unable to determine the clinical significance of this variant.